The following is an entry in ClinVar:

ClinVar aggregate classification (germline): Uncertain significance (1 of 4 stars; one submission).

Conditions:
SEMA3A-related disorder. Also called: SEMA3A-related condition.

gnomAD v4.1: 10 of 1,603,334 alleles (0.00062%); highest among the groups gnomAD compares: Non-Finnish European, 0.00085%; no homozygotes.

Submission:

PreventionGenetics, part of Exact Sciences
Classification: Uncertain significance for SEMA3A-related condition. Last evaluated: 2025-09-30. Review status: criteria provided, single submitter. Criteria: ACMG Guidelines, 2015. Collection method: clinical testing. Allele origin: germline.
Comment: The SEMA3A c.1033A>G variant is predicted to result in the amino acid substitution p.Met345Val. To our knowledge, this variant has not been reported in the literature. This variant is reported in 0.00090% of alleles in individuals of European (Non-Finnish) descent in gnomAD. At this time, the clinical significance of this variant is uncertain due to the absence of conclusive functional and genetic evidence.

NM_006080.3(SEMA3A):c.1033A>G (p.Met345Val)

Gene: SEMA3A (semaphorin 3A; minus strand). Cytogenetic location: 7q21.11.
Variant type: single nucleotide variant.
Coding change: c.1033A>G on transcript NM_006080.3 (MANE Select); coding-DNA position 1033, A replaced by G.
Protein change: p.Met345Val; replaces methionine 345 with valine.
Molecular consequence: missense variant.
Genome position (GRCh38, 1-based): chr7:84,007,460, T>C on the plus strand (A>G on the coding strand, the complement: SEMA3A is on the minus strand). VCF-style: chr7-84007460-T-C. GRCh37 (hg19) VCF-style: chr7-83636776-T-C.
Other names: short protein forms M345V.
Identifiers: ClinVar variation 4985129 (VCV004985129.1).
Genomic context (GRCh38, chr7:84,007,460, plus strand): 5'-GATAGTTGGGTCCATCCCTGTGGGCATATGGACCAAGGAACACCCTTCTCACATCACTCA[T>C]GCTATACATACACACGGCTGATCCCTTGAAAATGTTACTGAACAAGACAGCAAGAATAAA-3'
Protein context (NP_006071.1, residues 335-355): FKGSAVCMYS[Met345Val]SDVRRVFLGP